The following is an entry in ClinVar:

NM_000218.3(KCNQ1):c.313C>G (p.His105Asp)

Gene: KCNQ1 (potassium voltage-gated channel subfamily Q member 1; plus strand). Cytogenetic location: 11p15.5.
Variant type: single nucleotide variant.
Coding change: c.313C>G on transcript NM_000218.3 (MANE Select); coding-DNA position 313, C replaced by G.
Protein change: p.His105Asp; replaces histidine 105 with aspartic acid.
Molecular consequence: missense variant. On other transcripts: 5 prime UTR variant (1).
Genome position (GRCh38, 1-based): chr11:2,445,411, C>G. VCF-style: chr11-2445411-C-G. GRCh37 (hg19) VCF-style: chr11-2466641-C-G.
Other names: c.313C>G, p.His105Asp (NM_001406836.1, NM_001406838.1); c.-50C>G (NM_001406837.1); short protein forms H105D.
Identifiers: ClinVar variation 4762346 (VCV004762346.1).
Genomic context (GRCh38, chr11:2,445,411, plus strand): 5'-GTGAGCCTAGACCCGCGCGTCTCCATCTACAGCACGCGCCGCCCGGTGTTGGCGCGCACC[C>G]ACGTCCAGGGCCGCGTCTACAACTTCCTCGAGCGTCCCACCGGCTGGAAATGCTTCGTTT-3'
Protein context (NP_000209.2, residues 95-115): STRRPVLART[His105Asp]VQGRVYNFLE

ClinVar aggregate classification (germline): Uncertain significance (1 of 4 stars; one submission).

Conditions:
Long QT syndrome (LQTS). Identifiers: MedGen C0023976, MeSH D008133, MONDO:0002442. Disease mechanism: loss of function. Inheritance: Various modes of inheritance.

Submission:

Labcorp Genetics (formerly Invitae), Labcorp
Classification: Uncertain significance for Long QT syndrome. Last evaluated: 2025-11-21. Review status: criteria provided, single submitter. Criteria: Invitae Variant Classification Sherloc (09022015). Collection method: clinical testing. Allele origin: germline.
Comment: This sequence change replaces histidine, which is basic and polar, with aspartic acid, which is acidic and polar, at codon 105 of the KCNQ1 protein (p.His105Asp). This variant is not present in population databases (gnomAD no frequency). This variant has not been reported in the literature in individuals affected with KCNQ1-related conditions. Invitae Evidence Modeling of protein sequence and biophysical properties (such as structural, functional, and spatial information, amino acid conservation, physicochemical variation, residue mobility, and thermodynamic stability) indicates that this missense variant is not expected to disrupt KCNQ1 protein function with a negative predictive value of 95%. In summary, the available evidence is currently insufficient to determine the role of this variant in disease. Therefore, it has been classified as a Variant of Uncertain Significance.